The following is an entry in ClinVar:

ClinVar aggregate classification (germline): Uncertain significance (1 of 4 stars; one submission).

Submission:

GeneDx
Classification: Uncertain significance. Last evaluated: 2024-01-19. Review status: criteria provided, single submitter. Criteria: GeneDx Variant Classification Process June 2021. Collection method: clinical testing. Allele origin: germline. Affected: yes.
Comment: Nonsense variant predicted to result in protein truncation or nonsense mediated decay in a gene or region of a gene for which loss of function is not a well-established mechanism of disease; Not observed at significant frequency in large population cohorts (gnomAD); Has not been previously published as pathogenic or benign to our knowledge

NM_001999.4(FBN2):c.8124C>G (p.Tyr2708Ter)

Gene: FBN2 (fibrillin 2; minus strand). Cytogenetic location: 5q23.3.
Variant type: single nucleotide variant.
Coding change: c.8124C>G on transcript NM_001999.4 (MANE Select); coding-DNA position 8124, C replaced by G.
Protein change: p.Tyr2708Ter; replaces tyrosine 2708 with a stop codon.
Molecular consequence: nonsense.
Genome position (GRCh38, 1-based): chr5:128,263,493, G>C on the plus strand (C>G on the coding strand, the complement: FBN2 is on the minus strand). VCF-style: chr5-128263493-G-C. GRCh37 (hg19) VCF-style: chr5-127599185-G-C.
Other names: short protein forms Y2708*.
Identifiers: ClinVar variation 3368068 (VCV003368068.1).